The following is an entry in ClinVar:

ClinVar aggregate classification (germline): Benign (1 of 4 stars; one submission).

Allele frequency attached by ClinVar (database versions not stated): gnomAD 0.58789 and 0.58916; TOPMed 0.60511; 1000 Genomes Project 0.62839; 1000 Genomes Project 30x 0.62945.
gnomAD v4.1: 89,476 of 152,018 alleles (59%); highest among the groups gnomAD compares: African/African-American, 69%; 26,816 homozygotes.

Submission:

GeneDx
Classification: Benign. Last evaluated: 2018-06-14. Review status: criteria provided, single submitter. Criteria: GeneDx Variant Classification (06012015). Collection method: clinical testing. Allele origin: germline. Affected: yes.
Comment: This variant is considered likely benign or benign based on one or more of the following criteria: it is a conservative change, it occurs at a poorly conserved position in the protein, it is predicted to be benign by multiple in silico algorithms, and/or has population frequency not consistent with disease.

NM_014236.4(GNPAT):c.1522+215C>T

Gene: GNPAT (glyceronephosphate O-acyltransferase; plus strand). Cytogenetic location: 1q42.2.
Variant type: single nucleotide variant.
Coding change: c.1522+215C>T on transcript NM_014236.4 (MANE Select); 215 bases into the intron after coding-DNA position 1522, C replaced by T.
Molecular consequence: intron variant.
Genome position (GRCh38, 1-based): chr1:231,271,215, C>T. VCF-style: chr1-231271215-C-T. GRCh37 (hg19) VCF-style: chr1-231406961-C-T.
Other names: c.1339+215C>T (NM_001316350.2).
Identifiers: ClinVar variation 671196 (VCV000671196.1), dbSNP rs539699, ClinGen allele CA10826217.